The following is an entry in ClinVar:

ClinVar aggregate classification (germline): Uncertain significance. Review status: criteria provided, multiple submitters, no conflicts (2 of 4 stars). 2 submissions from 2 submitters: Uncertain significance (2). Last evaluated 2024-01-31.

Conditions:
Neurofibromatosis, type 1 (NF1). Also called: Peripheral type neurofibromatosis; VON RECKLINGHAUSEN DISEASE; NEUROFIBROMATOSIS, TYPE I, SOMATIC; Neurofibromatosis, type I. Identifiers: Orphanet 636, MedGen C0027831, MONDO:0018975, OMIM 162200. Disease mechanism: loss of function.
Juvenile myelomonocytic leukemia (JMML). Also called: LEUKEMIA, JUVENILE MYELOMONOCYTIC, SOMATIC. Identifiers: Orphanet 86834, MedGen C0349639, MONDO:0011908, OMIM 607785, HP:0012209.

Submissions (2):

Baylor Genetics
Classification: Uncertain significance for Juvenile myelomonocytic leukemia. Last evaluated: 2024-01-31. Review status: criteria provided, single submitter. Criteria: ACMG Guidelines, 2015. Collection method: clinical testing. Allele origin: unknown.

Labcorp Genetics (formerly Invitae), Labcorp
Classification: Uncertain significance for Neurofibromatosis, type 1. Last evaluated: 2021-10-25. Review status: criteria provided, single submitter. Criteria: Invitae Variant Classification Sherloc (09022015). Collection method: clinical testing. Allele origin: germline.
Comment: In summary, the available evidence is currently insufficient to determine the role of this variant in disease. Therefore, it has been classified as a Variant of Uncertain Significance. Algorithms developed to predict the effect of sequence changes on RNA splicing suggest that this variant may create or strengthen a splice site. Algorithms developed to predict the effect of missense changes on protein structure and function are either unavailable or do not agree on the potential impact of this missense change (SIFT: "Deleterious"; PolyPhen-2: "Possibly Damaging"; Align-GVGD: "Class C0"). This variant has not been reported in the literature in individuals affected with NF1-related conditions. This variant is not present in population databases (gnomAD no frequency). This sequence change replaces aspartic acid, which is acidic and polar, with glycine, which is neutral and non-polar, at codon 1067 of the NF1 protein (p.Asp1067Gly).

NM_001042492.3(NF1):c.3200A>G (p.Asp1067Gly)

Gene: NF1 (neurofibromin 1; plus strand). Cytogenetic location: 17q11.2.
Variant type: single nucleotide variant.
Coding change: c.3200A>G on transcript NM_001042492.3 (MANE Select); coding-DNA position 3200, A replaced by G.
Protein change: p.Asp1067Gly; replaces aspartic acid 1067 with glycine.
Molecular consequence: missense variant.
Genome position (GRCh38, 1-based): chr17:31,232,075, A>G. VCF-style: chr17-31232075-A-G. GRCh37 (hg19) VCF-style: chr17-29559093-A-G.
Other names: c.3200A>G, p.Asp1067Gly (NM_000267.4); short protein forms D1067G.
Identifiers: ClinVar variation 1434003 (VCV001434003.7), dbSNP rs746785904, ClinGen allele CA398988524.
Genomic context (GRCh38, chr17:31,232,075, plus strand): 5'-AAGAACTTGAAAGATTCATGGTCTCTAAATTTTTTTTTTTTTTTTTTTTTTTTTTCAGAG[A>G]TTTGGACCAGGCAAGCATGGAAGCAGTAGTTTCACTTCTAGCTGGTCTCCCTCTGCAGCC-3'
Protein context (NP_001035957.1, residues 1057-1077): ADDDVKCLTR[Asp1067Gly]LDQASMEAVV